The following is an entry in ClinVar:

ClinVar aggregate classification (germline): Uncertain significance. Review status: criteria provided, multiple submitters, no conflicts (2 of 4 stars). 2 submissions from 2 submitters: Uncertain significance (2). Last evaluated 2022-12-16.

Conditions:
Inborn genetic diseases. Identifiers: MedGen C0950123, MeSH D030342.

Allele frequency attached by ClinVar (database versions not stated): TOPMed 0.00002; gnomAD 0.00003; gnomAD exomes 0.00002; ExAC 0.00002.
gnomAD v4.1: 31 of 1,612,556 alleles (0.0019%); highest among the groups gnomAD compares: Middle Eastern, 0.016%; no homozygotes.

Submissions (2):

Ambry Genetics
Classification: Uncertain significance for Inborn genetic diseases. Last evaluated: 2022-12-16. Review status: criteria provided, single submitter. Criteria: Ambry Variant Classification Scheme 2023. Collection method: clinical testing. Allele origin: germline.

Labcorp Genetics (formerly Invitae), Labcorp
Classification: Uncertain significance. Last evaluated: 2022-10-25. Review status: criteria provided, single submitter. Criteria: Invitae Variant Classification Sherloc (09022015). Collection method: clinical testing. Allele origin: germline.
Comment: This variant has not been reported in the literature in individuals affected with AUTS2-related conditions. This sequence change replaces proline, which is neutral and non-polar, with leucine, which is neutral and non-polar, at codon 1005 of the AUTS2 protein (p.Pro1005Leu). This variant is present in population databases (rs750470894, gnomAD 0.002%). Advanced modeling of protein sequence and biophysical properties (such as structural, functional, and spatial information, amino acid conservation, physicochemical variation, residue mobility, and thermodynamic stability) performed at Invitae indicates that this missense variant is not expected to disrupt AUTS2 protein function. In summary, the available evidence is currently insufficient to determine the role of this variant in disease. Therefore, it has been classified as a Variant of Uncertain Significance.

NM_015570.4(AUTS2):c.3014C>T (p.Pro1005Leu)

Gene: AUTS2 (activator of transcription and developmental regulator AUTS2; plus strand). Cytogenetic location: 7q11.22.
Variant type: single nucleotide variant.
Coding change: c.3014C>T on transcript NM_015570.4 (MANE Select); coding-DNA position 3014, C replaced by T.
Protein change: p.Pro1005Leu; replaces proline 1005 with leucine.
Molecular consequence: missense variant.
Genome position (GRCh38, 1-based): chr7:70,790,230, C>T. VCF-style: chr7-70790230-C-T. GRCh37 (hg19) VCF-style: chr7-70255216-C-T.
Other names: c.2942C>T, p.Pro981Leu (NM_001127231.3); short protein forms P1005L, P981L.
Identifiers: ClinVar variation 2042535 (VCV002042535.5), dbSNP rs750470894, ClinGen allele CA4281242.